The following is an entry in ClinVar:

NM_199420.4(POLQ):c.3578A>G (p.Asn1193Ser)

Gene: POLQ (DNA polymerase theta; minus strand). Cytogenetic location: 3q13.33.
Variant type: single nucleotide variant.
Coding change: c.3578A>G on transcript NM_199420.4 (MANE Select); coding-DNA position 3578, A replaced by G.
Protein change: p.Asn1193Ser; replaces asparagine 1193 with serine.
Molecular consequence: missense variant.
Genome position (GRCh38, 1-based): chr3:121,489,353, T>C on the plus strand (A>G on the coding strand, the complement: POLQ is on the minus strand). VCF-style: chr3-121489353-T-C. GRCh37 (hg19) VCF-style: chr3-121208200-T-C.
Other names: short protein forms N1193S.
Identifiers: ClinVar variation 1732840 (VCV001732840.3), dbSNP rs1347999240, ClinGen allele CA354099035.

ClinVar aggregate classification (germline): Uncertain significance (1 of 4 stars; one submission).

Allele frequency attached by ClinVar (database versions not stated): gnomAD exomes 0.00002.
gnomAD v4.1: 14 of 1,613,446 alleles (0.00087%); highest among the groups gnomAD compares: East Asian, 0.031%; no homozygotes.

Submission:

Ambry Genetics
Classification: Uncertain significance. Last evaluated: 2024-09-05. Review status: criteria provided, single submitter. Criteria: Ambry Variant Classification Scheme 2023. Collection method: clinical testing. Allele origin: germline.
Comment: The p.N1193S variant (also known as c.3578A>G), located in coding exon 16 of the POLQ gene, results from an A to G substitution at nucleotide position 3578. The asparagine at codon 1193 is replaced by serine, an amino acid with highly similar properties. This amino acid position is conserved. In addition, this alteration is predicted to be tolerated by in silico analysis. Since supporting evidence is limited at this time, the clinical significance of this alteration remains unclear.